The following is an entry in ClinVar:

ClinVar aggregate classification (germline): Uncertain significance (1 of 4 stars; one submission).

Conditions:
Landau-Kleffner syndrome (FESD). Also called: EPILEPSY, FOCAL, WITH SPEECH DISORDER AND WITH OR WITHOUT MENTAL RETARDATION; APHASIA, ACQUIRED, WITH EPILEPSY. Identifiers: Orphanet 1945, Orphanet 725, Orphanet 98818, MedGen C0282512, MONDO:0009509, OMIM 245570.

Submission:

Labcorp Genetics (formerly Invitae), Labcorp
Classification: Uncertain significance for Landau-Kleffner syndrome. Last evaluated: 2024-08-24. Review status: criteria provided, single submitter. Criteria: Invitae Variant Classification Sherloc (09022015). Collection method: clinical testing. Allele origin: germline.
Comment: This sequence change replaces serine, which is neutral and polar, with phenylalanine, which is neutral and non-polar, at codon 468 of the GRIN2A protein (p.Ser468Phe). This variant is not present in population databases (gnomAD no frequency). This variant has not been reported in the literature in individuals affected with GRIN2A-related conditions. Invitae Evidence Modeling of protein sequence and biophysical properties (such as structural, functional, and spatial information, amino acid conservation, physicochemical variation, residue mobility, and thermodynamic stability) indicates that this missense variant is expected to disrupt GRIN2A protein function with a positive predictive value of 95%. In summary, the available evidence is currently insufficient to determine the role of this variant in disease. Therefore, it has been classified as a Variant of Uncertain Significance.

NM_001134407.3(GRIN2A):c.1403C>T (p.Ser468Phe)

Gene: GRIN2A (glutamate ionotropic receptor NMDA type subunit 2A; minus strand). Cytogenetic location: 16p13.2.
Variant type: single nucleotide variant.
Coding change: c.1403C>T on transcript NM_001134407.3 (MANE Select); coding-DNA position 1403, C replaced by T.
Protein change: p.Ser468Phe; replaces serine 468 with phenylalanine.
Molecular consequence: missense variant.
Genome position (GRCh38, 1-based): chr16:9,841,030, G>A on the plus strand (C>T on the coding strand, the complement: GRIN2A is on the minus strand). VCF-style: chr16-9841030-G-A. GRCh37 (hg19) VCF-style: chr16-9934887-G-A.
Other names: c.1403C>T, p.Ser468Phe (NM_000833.5, NM_001134408.2); short protein forms S468F.
Identifiers: ClinVar variation 3663351 (VCV003663351.2).